The following is an entry in ClinVar:

ClinVar aggregate classification (germline): Uncertain significance (1 of 4 stars; one submission).

Conditions:
Alpha thalassemia-X-linked intellectual disability syndrome (ATRX). Also called: ALPHA-THALASSEMIA/MENTAL RETARDATION SYNDROME, X-LINKED; ATR, NONDELETION TYPE; ATR-X syndrome; Alpha thalassemia mental retardation syndrome, nondeletion type, X-linked; XLMR hypotonic face syndrome; X-linked alpha-thalassemia-mental retardation syndrome. Identifiers: Orphanet 847, MedGen C1845055, MONDO:0010519, OMIM 301040.

gnomAD v4.1: 1 of 1,209,303 alleles (0.000083%); highest among the groups gnomAD compares: African/African-American, 0.0017%; no homozygotes.

Submission:

Labcorp Genetics (formerly Invitae), Labcorp
Classification: Uncertain significance for Alpha thalassemia-X-linked intellectual disability syndrome. Last evaluated: 2024-07-11. Review status: criteria provided, single submitter. Criteria: Invitae Variant Classification Sherloc (09022015). Collection method: clinical testing. Allele origin: germline.
Comment: This sequence change replaces lysine, which is basic and polar, with glutamic acid, which is acidic and polar, at codon 487 of the ATRX protein (p.Lys487Glu). This variant is not present in population databases (gnomAD no frequency). This variant has not been reported in the literature in individuals affected with ATRX-related conditions. Advanced modeling of protein sequence and biophysical properties (such as structural, functional, and spatial information, amino acid conservation, physicochemical variation, residue mobility, and thermodynamic stability) performed at Invitae indicates that this missense variant is not expected to disrupt ATRX protein function with a negative predictive value of 95%. In summary, the available evidence is currently insufficient to determine the role of this variant in disease. Therefore, it has been classified as a Variant of Uncertain Significance.

NM_000489.6(ATRX):c.1459A>G (p.Lys487Glu)

Gene: ATRX (ATRX chromatin remodeler; minus strand). Cytogenetic location: Xq21.1.
Variant type: single nucleotide variant.
Coding change: c.1459A>G on transcript NM_000489.6 (MANE Select); coding-DNA position 1459, A replaced by G.
Protein change: p.Lys487Glu; replaces lysine 487 with glutamic acid.
Molecular consequence: missense variant.
Genome position (GRCh38, 1-based): chrX:77,683,797, T>C on the plus strand (A>G on the coding strand, the complement: ATRX is on the minus strand). VCF-style: chrX-77683797-T-C. GRCh37 (hg19) VCF-style: chrX-76939289-T-C.
Other names: c.1345A>G, p.Lys449Glu (NM_138270.5); short protein forms K449E, K487E.
Identifiers: ClinVar variation 3627226 (VCV003627226.2).